The following is an entry in ClinVar:

NM_001013838.3(CARMIL2):c.2750G>C (p.Ser917Thr)

Gene: CARMIL2 (capping protein regulator and myosin 1 linker 2; plus strand). Cytogenetic location: 16q22.1.
Variant type: single nucleotide variant.
Coding change: c.2750G>C on transcript NM_001013838.3 (MANE Select); coding-DNA position 2750, G replaced by C.
Protein change: p.Ser917Thr; replaces serine 917 with threonine.
Molecular consequence: missense variant.
Genome position (GRCh38, 1-based): chr16:67,652,272, G>C. VCF-style: chr16-67652272-G-C. GRCh37 (hg19) VCF-style: chr16-67686175-G-C.
Other names: c.2642G>C, p.Ser881Thr (NM_001317026.3); short protein forms S881T, S917T.
Identifiers: ClinVar variation 1408300 (VCV001408300.3), dbSNP rs373030648, ClinGen allele CA8113883.

ClinVar aggregate classification (germline): Uncertain significance (1 of 4 stars; one submission).

Allele frequency attached by ClinVar (database versions not stated): ExAC 0.00002; gnomAD exomes 0.00003; ESP Exome Variant Server 0.00008; gnomAD 0.00008 and 0.00009; TOPMed 0.00009.
gnomAD v4.1: 23 of 1,613,260 alleles (0.0014%); highest among the groups gnomAD compares: African/African-American, 0.024%; no homozygotes.

Submission:

Labcorp Genetics (formerly Invitae), Labcorp
Classification: Uncertain significance. Last evaluated: 2022-10-17. Review status: criteria provided, single submitter. Criteria: Invitae Variant Classification Sherloc (09022015). Collection method: clinical testing. Allele origin: germline.
Comment: This sequence change replaces serine, which is neutral and polar, with threonine, which is neutral and polar, at codon 917 of the CARMIL2 protein (p.Ser917Thr). This variant is present in population databases (rs373030648, gnomAD 0.03%). This variant has not been reported in the literature in individuals affected with CARMIL2-related conditions. ClinVar contains an entry for this variant (Variation ID: 1408300). Advanced modeling of protein sequence and biophysical properties (such as structural, functional, and spatial information, amino acid conservation, physicochemical variation, residue mobility, and thermodynamic stability) performed at Invitae indicates that this missense variant is not expected to disrupt CARMIL2 protein function. In summary, the available evidence is currently insufficient to determine the role of this variant in disease. Therefore, it has been classified as a Variant of Uncertain Significance.